The following is an entry in ClinVar:

NM_080680.3(COL11A2):c.3507_3515del (p.Glu1169_Gly1171del)

Gene: COL11A2 (collagen type XI alpha 2 chain; minus strand). Cytogenetic location: 6p21.32.
Variant type: Deletion.
Coding change: c.3507_3515del on transcript NM_080680.3 (MANE Select); coding-DNA positions 3507 to 3515, 9 bases deleted (AACAGGAGA; older notation c.3507_3515delAACAGGAGA).
Protein change: p.Glu1169_Gly1171del.
Molecular consequence: inframe deletion.
Genome position (GRCh38, 1-based): chr6:33,170,570-33,170,578, TCTCCTGTT deleted on the plus strand (AACAGGAGA on the coding strand, the reverse complement: COL11A2 is on the minus strand); deleting any 9 consecutive bases within chr6:33,170,570-33,170,583 gives the same sequence; the c. name uses the placement nearest the transcript's 3' end. VCF-style (leftmost placement, unchanged base first): chr6-33170569-ATCTCCTGTT-A. GRCh37 (hg19) VCF-style: chr6-33138346-ATCTCCTGTT-A.
Other names: c.3327_3335del, p.Glu1109_Gly1111del (NM_001424108.1); c.2661_2669del, p.Glu887_Gly889del (NM_001424109.1); c.2481_2489del, p.Glu827_Gly829del (NM_001424110.1, NM_001424111.1); c.1461_1469del, p.Glu487_Gly489del (NM_001424112.1); c.3186_3194del, p.Glu1062_Gly1064del (NM_080679.3); c.3249_3257del, p.Glu1083_Gly1085del (NM_080681.3).
Identifiers: ClinVar variation 2857628 (VCV002857628.3), dbSNP rs2534782380, ClinGen allele CA2739272966.

ClinVar aggregate classification (germline): Uncertain significance (1 of 4 stars; one submission).

Submission:

Labcorp Genetics (formerly Invitae), Labcorp
Classification: Uncertain significance. Last evaluated: 2023-04-20. Review status: criteria provided, single submitter. Criteria: Invitae Variant Classification Sherloc (09022015). Collection method: clinical testing. Allele origin: germline.
Comment: In summary, the available evidence is currently insufficient to determine the role of this variant in disease. Therefore, it has been classified as a Variant of Uncertain Significance. Algorithms developed to predict the effect of sequence changes on RNA splicing suggest that this variant may disrupt the consensus splice site. Experimental studies and prediction algorithms are not available or were not evaluated, and the functional significance of this variant is currently unknown. This variant has not been reported in the literature in individuals affected with COL11A2-related conditions. This variant is not present in population databases (gnomAD no frequency). This variant, c.3507_3515del, results in the deletion of 3 amino acid(s) of the COL11A2 protein (p.Glu1169_Gly1171del), but otherwise preserves the integrity of the reading frame.